The following is an entry in ClinVar:

NM_001040142.2(SCN2A):c.113A>G (p.Lys38Arg)

Gene: SCN2A (sodium voltage-gated channel alpha subunit 2; plus strand). Cytogenetic location: 2q24.3.
Variant type: single nucleotide variant.
Coding change: c.113A>G on transcript NM_001040142.2 (MANE Select); coding-DNA position 113, A replaced by G.
Protein change: p.Lys38Arg; replaces lysine 38 with arginine.
Molecular consequence: missense variant.
Genome position (GRCh38, 1-based): chr2:165,295,936, A>G. VCF-style: chr2-165295936-A-G. GRCh37 (hg19) VCF-style: chr2-166152446-A-G.
Other names: c.113A>G, p.Lys38Arg (NM_001040143.2, NM_001371246.1, NM_001371247.1 and 1 more transcripts); short protein forms K38R.
Identifiers: ClinVar variation 3769668 (VCV003769668.1).
Genomic context (GRCh38, chr2:165,295,936, plus strand): 5'-CCAGGGAATCCCTTGCTGCTATTGAACAACGCATTGCAGAAGAGAAAGCTAAGAGACCCA[A>G]ACAGGAACGCAAGGATGAGGATGATGAAAATGGCCCAAAGCCAAACAGTGACTTGGAAGC-3'
Protein context (NP_001035232.1, residues 28-48): RIAEEKAKRP[Lys38Arg]QERKDEDDEN

ClinVar aggregate classification (germline): Uncertain significance (1 of 4 stars; one submission).

gnomAD v4.1: 1 of 1,614,140 alleles (0.000062%); highest among the groups gnomAD compares: Non-Finnish European, 0.000085%; no homozygotes.

Submission:

GeneDx
Classification: Uncertain significance. Last evaluated: 2024-09-11. Review status: criteria provided, single submitter. Criteria: GeneDx Variant Classification Process June 2021. Collection method: clinical testing. Allele origin: germline. Affected: yes.
Comment: Not observed at significant frequency in large population cohorts (gnomAD); This substitution is predicted to be within the N-terminal cytoplasmic domain; In silico analysis indicates that this missense variant does not alter protein structure/function; Has not been previously published as pathogenic or benign to our knowledge